The following is an entry in ClinVar:

ClinVar aggregate classification (germline): Likely pathogenic. Review status: criteria provided, multiple submitters, no conflicts (2 of 4 stars). 2 submissions from 2 submitters: Likely pathogenic (2). Last evaluated 2025-04-15.

Conditions:
GRN-related frontotemporal lobar degeneration with Tdp43 inclusions (FTD2). Also called: DEMENTIA, HEREDITARY DYSPHASIC DISINHIBITION; FRONTOTEMPORAL LOBAR DEGENERATION WITH UBIQUITIN-POSITIVE INCLUSIONS; FTLD-TDP, GRN-RELATED; GRN Frontotemporal Dementia; FRONTOTEMPORAL DEMENTIA WITH TDP43 INCLUSIONS, GRN-RELATED. Identifiers: Orphanet 100070, Orphanet 282, MedGen C1843792, MONDO:0011842, OMIM 607485. Disease mechanism: loss of function.
Neuronal ceroid lipofuscinosis 11. Also called: GRN-Related Neuronal Ceroid-Lipofuscinosis. Identifiers: Orphanet 314629, Orphanet 79262, MedGen C3539123, MONDO:0013866, OMIM 614706.

Submissions (2):

Victorian Clinical Genetics Services, Murdoch Childrens Research Institute
Classification: Likely pathogenic for GRN-related frontotemporal lobar degeneration with Tdp43 inclusions. Last evaluated: 2025-04-15. Review status: criteria provided, single submitter. Criteria: ACMG Guidelines, 2015. Collection method: clinical testing. Allele origin: germline. Affected: yes.
Comment: This variant is classified as Likely pathogenic. Evidence in support of pathogenic classification: Canonical splice site variant without proven consequence on splicing (no functional evidence available); Variant is absent from gnomAD (v2, v3 and v4); This variant has limited previous evidence of pathogenicity in unrelated individuals. It has been reported in an individual with frontotemporal dementia (PMIDs: 34573259, 36294886), and classified as likely pathogenic by a clinical laboratory (ClinVar); This variant has moderate functional evidence supporting abnormal protein function. Plasma progranulin quantification in an affected individual harbouring this variant showed more than two-fold lower plasma progranulin level compared to wild-type (PMID: 34573259); Abnormal splicing is predicted by in silico tool and affected nucleotide is highly conserved. Additional information: This variant is heterozygous; This gene is associated with both recessive and dominant disease, however, autosomal recessive disease is rare. - No comparable splice site variants have previous evidence for pathogenicity; Loss of function is a known mechanism of disease in this gene and is associated with ceroid lipofuscinosis, neuronal 11 (MIM#614706), primary progressive aphasia (MIM#607485), and frontotemporal dementia 2 (MIM#607485); Inheritance information for this variant is not currently available in this individual.

Labcorp Genetics (formerly Invitae), Labcorp
Classification: Likely pathogenic for Neuronal ceroid lipofuscinosis 11; GRN-related frontotemporal lobar degeneration with Tdp43 inclusions. Last evaluated: 2021-02-16. Review status: criteria provided, single submitter. Criteria: Invitae Variant Classification Sherloc (09022015). Collection method: clinical testing. Allele origin: germline.
Comment: This variant has been observed in individual(s) with clinical features of frontotemporal dementia (Invitae). This variant is not present in population databases (ExAC no frequency). This sequence change affects an acceptor splice site in intron 9 of the GRN gene. It is expected to disrupt RNA splicing. Variants that disrupt the donor or acceptor splice site typically lead to a loss of protein function (PMID: 16199547), and loss-of-function variants in GRN are known to be pathogenic (PMID: 22608501). Algorithms developed to predict the effect of sequence changes on RNA splicing suggest that this variant may disrupt the consensus splice site, but this prediction has not been confirmed by published transcriptional studies. In summary, the currently available evidence indicates that the variant is pathogenic, but additional data are needed to prove that conclusively. Therefore, this variant has been classified as Likely Pathogenic.

Literature cited by the submitters: PubMed 36294886 (cited by Victorian Clinical Genetics Services, Murdoch Childrens Research Institute); PubMed 34573259 (cited by Victorian Clinical Genetics Services, Murdoch Childrens Research Institute); PubMed 16199547 (cited by Labcorp Genetics (formerly Invitae), Labcorp); PubMed 22608501 (cited by Labcorp Genetics (formerly Invitae), Labcorp).

NM_002087.4(GRN):c.934-1G>A

Gene: GRN (granulin precursor; plus strand). Cytogenetic location: 17q21.31.
Variant type: single nucleotide variant.
Coding change: c.934-1G>A on transcript NM_002087.4 (MANE Select); the canonical splice acceptor site of the intron before coding-DNA position 934, G replaced by A.
Molecular consequence: splice acceptor variant.
Genome position (GRCh38, 1-based): chr17:44,351,549, G>A. VCF-style: chr17-44351549-G-A. GRCh37 (hg19) VCF-style: chr17-42428917-G-A.
Identifiers: ClinVar variation 1497422 (VCV001497422.10), dbSNP rs2143340416, ClinGen allele CA399765029.